The following is an entry in ClinVar:

ClinVar aggregate classification (germline): Uncertain significance (1 of 4 stars; one submission).

Allele frequency attached by ClinVar (database versions not stated): gnomAD exomes below 0.00001; TOPMed below 0.00001.
gnomAD v4.1: 1 of 1,614,196 alleles (0.000062%); highest among the groups gnomAD compares: Non-Finnish European, 0.000085%; no homozygotes.

Submission:

Labcorp Genetics (formerly Invitae), Labcorp
Classification: Uncertain significance. Last evaluated: 2021-07-24. Review status: criteria provided, single submitter. Criteria: Invitae Variant Classification Sherloc (09022015). Collection method: clinical testing. Allele origin: germline.
Comment: Algorithms developed to predict the effect of missense changes on protein structure and function (SIFT, PolyPhen-2, Align-GVGD) all suggest that this variant is likely to be disruptive. This variant has not been reported in the literature in individuals affected with MTHFD1-related conditions. This variant is not present in population databases (ExAC no frequency). This sequence change replaces isoleucine with threonine at codon 118 of the MTHFD1 protein (p.Ile118Thr). The isoleucine residue is moderately conserved and there is a moderate physicochemical difference between isoleucine and threonine. In summary, the available evidence is currently insufficient to determine the role of this variant in disease. Therefore, it has been classified as a Variant of Uncertain Significance.

NM_005956.4(MTHFD1):c.353T>C (p.Ile118Thr)

Gene: MTHFD1 (methylenetetrahydrofolate dehydrogenase, cyclohydrolase and formyltetrahydrofolate synthetase 1; plus strand). Cytogenetic location: 14q23.3.
Variant type: single nucleotide variant.
Coding change: c.353T>C on transcript NM_005956.4 (MANE Select); coding-DNA position 353, T replaced by C.
Protein change: p.Ile118Thr; replaces isoleucine 118 with threonine.
Molecular consequence: missense variant.
Genome position (GRCh38, 1-based): chr14:64,415,470, T>C. VCF-style: chr14-64415470-T-C. GRCh37 (hg19) VCF-style: chr14-64882188-T-C.
Other names: c.353T>C, p.Ile118Thr (NM_001364837.1); short protein forms I118T.
Identifiers: ClinVar variation 1369518 (VCV001369518.8), dbSNP rs1186810972, ClinGen allele CA389973225.